The following is an entry in ClinVar:

ClinVar aggregate classification (germline): Uncertain significance (1 of 4 stars; one submission).

gnomAD v4.1: 3 of 1,592,392 alleles (0.00019%); highest among the groups gnomAD compares: South Asian, 0.0011%; no homozygotes.

Submission:

Labcorp Genetics (formerly Invitae), Labcorp
Classification: Uncertain significance. Last evaluated: 2022-01-07. Review status: criteria provided, single submitter. Criteria: Invitae Variant Classification Sherloc (09022015). Collection method: clinical testing. Allele origin: germline.
Comment: This sequence change replaces leucine, which is neutral and non-polar, with proline, which is neutral and non-polar, at codon 4 of the TSFM protein (p.Leu4Pro). This variant is not present in population databases (gnomAD no frequency). This variant has not been reported in the literature in individuals affected with TSFM-related conditions. Algorithms developed to predict the effect of missense changes on protein structure and function are either unavailable or do not agree on the potential impact of this missense change (SIFT: "Deleterious"; PolyPhen-2: "Possibly Damaging"; Align-GVGD: "Class C0"). In summary, the available evidence is currently insufficient to determine the role of this variant in disease. Therefore, it has been classified as a Variant of Uncertain Significance.

NM_005726.6(TSFM):c.11T>C (p.Leu4Pro)

Gene: TSFM (Ts translation elongation factor, mitochondrial; plus strand). Cytogenetic location: 12q14.1.
Variant type: single nucleotide variant.
Coding change: c.11T>C on transcript NM_005726.6 (MANE Select); coding-DNA position 11, T replaced by C.
Protein change: p.Leu4Pro; replaces leucine 4 with proline.
Molecular consequence: missense variant.
Genome position (GRCh38, 1-based): chr12:57,782,812, T>C. VCF-style: chr12-57782812-T-C. GRCh37 (hg19) VCF-style: chr12-58176595-T-C.
Other names: c.11T>C, p.Leu4Pro (NM_001172695.2, NM_001172696.2, NM_001172697.2); short protein forms L4P.
Identifiers: ClinVar variation 2157310 (VCV002157310.1), dbSNP rs1955528756, ClinGen allele CA385522904.
Genomic context (GRCh38, chr12:57,782,812, plus strand): 5'-TGTTGCCTCACCAGTGCGCCCGCCGGAGGGTGTTTATCGCGGCTAGAGAGATGTCGCTGC[T>C]GCGGTCGCTGCGCGTGTTTCTGGTCGCGCGGACCGGGAGCTACCCGGTGAGAAGTCCTGG-3'
Protein context (NP_005717.3, residues 1-14): MSL[Leu4Pro]RSLRVFLVAR